The following is an entry in ClinVar:

NM_178138.6(LHX3):c.686G>T (p.Arg229Leu)

Gene: LHX3 (LIM homeobox 3; minus strand). Cytogenetic location: 9q34.3.
Variant type: single nucleotide variant.
Coding change: c.686G>T on transcript NM_178138.6 (MANE Select); coding-DNA position 686, G replaced by T.
Protein change: p.Arg229Leu; replaces arginine 229 with leucine.
Molecular consequence: missense variant.
Genome position (GRCh38, 1-based): chr9:136,198,741, C>A on the plus strand (G>T on the coding strand, the complement: LHX3 is on the minus strand). VCF-style: chr9-136198741-C-A. GRCh37 (hg19) VCF-style: chr9-139090587-C-A.
Other names: c.653G>T, p.Arg218Leu (NM_001363746.1); c.701G>T, p.Arg234Leu (NM_014564.5); short protein forms R218L, R234L, R229L.
Identifiers: ClinVar variation 1983499 (VCV001983499.2), dbSNP rs757143741, ClinGen allele CA5330402.

ClinVar aggregate classification (germline): Uncertain significance. Review status: criteria provided, multiple submitters, no conflicts (2 of 4 stars). 2 submissions from 2 submitters: Uncertain significance (2). Last evaluated 2022-05-25.

Conditions:
Inborn genetic diseases. Identifiers: MedGen C0950123, MeSH D030342.

Allele frequency attached by ClinVar (database versions not stated): gnomAD 0.00001; TOPMed 0.00001; gnomAD exomes 0.00002; ExAC 0.00003.
gnomAD v4.1: 12 of 1,611,438 alleles (0.00074%); highest among the groups gnomAD compares: East Asian, 0.027%; no homozygotes.

Submissions (2):

Ambry Genetics
Classification: Uncertain significance for Inborn genetic diseases. Last evaluated: 2022-05-25. Review status: criteria provided, single submitter. Criteria: Ambry Variant Classification Scheme 2023. Collection method: clinical testing. Allele origin: germline.

Labcorp Genetics (formerly Invitae), Labcorp
Classification: Uncertain significance. Last evaluated: 2022-02-03. Review status: criteria provided, single submitter. Criteria: Invitae Variant Classification Sherloc (09022015). Collection method: clinical testing. Allele origin: germline.
Comment: This sequence change replaces arginine, which is basic and polar, with leucine, which is neutral and non-polar, at codon 234 of the LHX3 protein (p.Arg234Leu). This variant is present in population databases (rs757143741, gnomAD 0.03%). This variant has not been reported in the literature in individuals affected with LHX3-related conditions. Algorithms developed to predict the effect of missense changes on protein structure and function are either unavailable or do not agree on the potential impact of this missense change (SIFT: "Not Available"; PolyPhen-2: "Possibly Damaging"; Align-GVGD: "Not Available"). In summary, the available evidence is currently insufficient to determine the role of this variant in disease. Therefore, it has been classified as a Variant of Uncertain Significance.